The following is an entry in ClinVar:

NM_005733.3(KIF20A):c.1522G>A (p.Val508Met)

Gene: KIF20A (kinesin family member 20A; plus strand). Cytogenetic location: 5q31.2.
Variant type: single nucleotide variant.
Coding change: c.1522G>A on transcript NM_005733.3 (MANE Select); coding-DNA position 1522, G replaced by A.
Protein change: p.Val508Met; replaces valine 508 with methionine.
Molecular consequence: missense variant.
Genome position (GRCh38, 1-based): chr5:138,184,515, G>A. VCF-style: chr5-138184515-G-A. GRCh37 (hg19) VCF-style: chr5-137520204-G-A.
Other names: c.1522G>A (NM_005733.2); short protein forms V508M.
Identifiers: ClinVar variation 1521898 (VCV001521898.7), dbSNP rs372591952, ClinGen allele CA3426637.

ClinVar aggregate classification (germline): Uncertain significance. Review status: criteria provided, multiple submitters, no conflicts (2 of 4 stars). 2 submissions from 2 submitters: Uncertain significance (2). Last evaluated 2026-01-05.

Allele frequency attached by ClinVar (database versions not stated): gnomAD exomes 0.00004 and 0.00014; ExAC 0.00010; gnomAD 0.00021 and 0.00022; ESP Exome Variant Server 0.00023; TOPMed 0.00029.

Submissions (2):

Labcorp Genetics (formerly Invitae), Labcorp
Classification: Uncertain significance. Last evaluated: 2026-01-05. Review status: criteria provided, single submitter. Criteria: Invitae Variant Classification Sherloc (09022015). Collection method: clinical testing. Allele origin: germline.
Comment: This sequence change replaces valine, which is neutral and non-polar, with methionine, which is neutral and non-polar, at codon 508 of the KIF20A protein (p.Val508Met). This variant is present in population databases (rs372591952, gnomAD 0.1%), and has an allele count higher than expected for a pathogenic variant. This variant has not been reported in the literature in individuals affected with KIF20A-related conditions. ClinVar contains an entry for this variant (Variation ID: 1521898). An algorithm developed to predict the effect of missense changes on protein structure and function (PolyPhen-2) suggests that this variant is likely to be disruptive. In summary, the available evidence is currently insufficient to determine the role of this variant in disease. Therefore, it has been classified as a Variant of Uncertain Significance.

Ambry Genetics
Classification: Uncertain significance. Last evaluated: 2024-05-30. Review status: criteria provided, single submitter. Criteria: Ambry Variant Classification Scheme 2023. Collection method: clinical testing. Allele origin: germline.